The following is an entry in ClinVar:

ClinVar aggregate classification (germline): Uncertain significance (1 of 4 stars; one submission).

Submission:

Labcorp Genetics (formerly Invitae), Labcorp
Classification: Uncertain significance. Last evaluated: 2022-02-25. Review status: criteria provided, single submitter. Criteria: Invitae Variant Classification Sherloc (09022015). Collection method: clinical testing. Allele origin: germline.
Comment: Advanced modeling of protein sequence and biophysical properties (such as structural, functional, and spatial information, amino acid conservation, physicochemical variation, residue mobility, and thermodynamic stability) performed at Invitae indicates that this missense variant is not expected to disrupt PCYT1A protein function. In summary, the available evidence is currently insufficient to determine the role of this variant in disease. Therefore, it has been classified as a Variant of Uncertain Significance. Algorithms developed to predict the effect of sequence changes on RNA splicing suggest that this variant may create or strengthen a splice site. This variant has not been reported in the literature in individuals affected with PCYT1A-related conditions. This variant is not present in population databases (gnomAD no frequency). This sequence change replaces aspartic acid, which is acidic and polar, with glycine, which is neutral and non-polar, at codon 28 of the PCYT1A protein (p.Asp28Gly).

NM_001312673.2(PCYT1A):c.83A>G (p.Asp28Gly)

Gene: PCYT1A (phosphate cytidylyltransferase 1A, choline; minus strand). Cytogenetic location: 3q29.
Variant type: single nucleotide variant.
Coding change: c.83A>G on transcript NM_001312673.2 (MANE Select); coding-DNA position 83, A replaced by G.
Protein change: p.Asp28Gly; replaces aspartic acid 28 with glycine.
Molecular consequence: missense variant.
Genome position (GRCh38, 1-based): chr3:196,270,449, T>C on the plus strand (A>G on the coding strand, the complement: PCYT1A is on the minus strand). VCF-style: chr3-196270449-T-C. GRCh37 (hg19) VCF-style: chr3-195997320-T-C.
Other names: c.83A>G, p.Asp28Gly (NM_005017.4); short protein forms D28G.
Identifiers: ClinVar variation 1351217 (VCV001351217.6), dbSNP rs2108777729, ClinGen allele CA355593647.